The following continues an entry in ClinVar:

NM_003119.4(SPG7):c.1529C>T (p.Ala510Val)

Gene: SPG7. ClinVar aggregate classification (germline): Pathogenic/Likely pathogenic. Pathogenic (55); Likely pathogenic (11).

Submissions 10 to 21 of 101:

3billion
Classification: Pathogenic for Hereditary spastic paraplegia 7. Last evaluated: 2025-11-07. Review status: criteria provided, single submitter. Criteria: ACMG Guidelines, 2015. Collection method: clinical testing. Allele origin: germline. Affected: yes.
Comment: The variant is observed at an extremely low frequency in the gnomAD v4.1.0 dataset (total allele frequency: 0.580%). Predicted Consequence/Location: Missense variant Functional studies provide strong evidence of the variant having a damaging effect on the gene or gene product (PMID: 20186691). In silico tool predictions suggest damaging effect of the variant on gene or gene product [REVEL: 0.92 (>=0.6, sensitivity 0.68 and specificity 0.92); 3Cnet: 0.92 (> 0.75, sensitivity 0.96 and precision 0.92)]. The same nucleotide change resulting in the same amino acid change has been previously reported as pathogenic/likely pathogenic with strong evidence (ClinVar ID: VCV000042016 /PMID: 18799786 /3billion dataset). The variant has been reported to be in trans with a pathogenic variant as either compound heterozygous or homozygous in at least 4 similarly affected unrelated individuals (PMID: 16534102, 23269439, 26626314, 30098094). A different missense change at the same codon (p.Ala510Leu) has been reported to be associated with SPG7-related disorder (ClinVar ID: VCV000989124 /PMID: 34983064). Therefore, this variant is classified as Pathogenic according to the recommendation of ACMG/AMP guideline.

Genetics Laboratory, Great Ormond Street Hospital NHS Foundation Trust, North Thames Genomic Laboratory Hub
Classification: Pathogenic for Optic neuropathy. Last evaluated: 2025-09-23. Review status: criteria provided, single submitter. Criteria: ACGS Best Practice Guidelines for Variant Classification in Rare Disease 2024 v1.2. Collection method: clinical testing. Allele origin: germline. Affected: yes.
Comment: PP3_supporting, PS3_strong, PP1_strong, PM3_moderate

Rady Children's Institute for Genomic Medicine, Rady Children's Hospital San Diego
Classification: Pathogenic for Spastic paraplegia 7. Last evaluated: 2025-09-08. Review status: criteria provided, single submitter. Criteria: ACMG Guidelines, 2015. Collection method: clinical testing. Allele origin: germline. Affected: yes.
Comment: This is a known Pathogenic variant that has been previously reported as a compound heterozygous or homozygous change in patients with spastic paraplegia 7 (PMID: 21623769, 22571692, 29026558, 28362824, 20186691, 20301286). Studies suggest that this variant may be associated with a late age of onset and/or reduced penetrance (PMID: 30098094, 23269439, 37213040, 33598982). The c.1529C>T (p.Ala510Val) variant affects a highly conserved amino acid and is predicted by multiple in silico tools to have a deleterious effect on protein function. Experimental studies indicate this variant impairs proteolytic function (PMID: 20186691). The c.1529C>T (p.Ala510Val) variant is present in the latest version of the gnomAD population database at an allele frequency of 0.58% (9342/1611950), including 44 homozygous individuals. Based on the available evidence, c.1529C>T (p.Ala510Val) is classified as Pathogenic.

Department of Paediatrics at Addenbrookes, Cambridge University Hospitals NHS Foundation Trust (UK)
Classification: Pathogenic for Hereditary spastic paraplegia 7. Last evaluated: 2025-05-27. Review status: criteria provided, single submitter. Criteria: Durkie Uk Practice Guidelines For Variant Classification V12 2024 (1). Collection method: clinical testing. Allele origin: unknown.
Comment: PS1_Strong; PS3_Supporting; PS4_Strong; PM1_Moderate; PM2_Moderate; PM5_Moderate; PP3_Supporting

Laboratorio de Genetica e Diagnostico Molecular, Hospital Israelita Albert Einstein
Classification: Pathogenic for Hereditary spastic paraplegia 7. Last evaluated: 2025-05-27. Review status: criteria provided, single submitter. Criteria: ACMG Guidelines, 2015. Collection method: clinical testing. Allele origin: germline. Affected: yes.
Comment: ACMG classification criteria: PS3 supporting, PM3 very strong, PP1 supporting, PP3 supporting

Variantyx, Inc.
Classification: Pathogenic for Hereditary spastic paraplegia 7. Last evaluated: 2025-03-25. Review status: criteria provided, single submitter. Criteria: Variantyx Assertion Criteria 2022. Collection method: clinical testing. Allele origin: germline.
Comment: This is a nonsynonymous variant in the SPG7 gene (OMIM: 602783). Pathogenic variants in this gene have been associated with autosomal recessive spastic paraplegia 7. This variant has been reported in the homozygous or compound heterozygous state in many unrelated, affected individuals (PMID: 22964162, 16534102, 22571692, 25681447, 23065789, 32548275, 11222789, 31068484) (PM3_Very_Strong). This variant has been shown to segregate with disease in several families (PMID: 22964162, 16534102, 22571692, 25681447). Functional studies have shown that this variant alters SPG7 protein function (PMID: 20186691, 32973427) (PS3_Supporting). Multiple computational algorithms predict a deleterious effect for this variant (REVEL score: 0.923) (PP3_Moderate). This variant has a 0.726% maximum allele frequency in non-founder control populations.This variant has also been detected in the heterozygous state in multiple affected individuals with milder phenotypes. This evidence suggests that heterozygous SPG7 pathogenic variants might predispose to late-onset neurodegenerative disorders, mimicking autosomal dominant inheritance (PMID: 23065789, 23733235, 22571692, 31068484). However, this variant has also been identified in many unaffected individuals from the general population, which raises the possibility that affected heterozygotes may have a second unidentified SPG7 pathogenic variant. Thus far, there have been no adequate statistical reports demonstrating an enrichment of the p.Ala510Val variant in the heterozygous state in clinical populations. Based on the current evidence, this variant is classified as pathogenic for autosomal recessive spastic paraplegia 7.

Ambry Genetics
Classification: Pathogenic for Inborn genetic diseases. Last evaluated: 2025-01-31. Review status: criteria provided, single submitter. Criteria: Ambry Variant Classification Scheme 2023. Collection method: clinical testing. Allele origin: germline.
Comment: The c.1529C>T (p.A510V) alteration is located in coding exon 11 of the SPG7 gene. This alteration results from a C to T substitution at nucleotide position 1529, causing the alanine (A) at amino acid position 510 to be replaced by a valine (V). Based on data from gnomAD, the T allele has an overall frequency of 0.29% (820/282858) total alleles studied. The highest observed frequency was 0.481% (621/129168) of European (non-Finnish) alleles. This mutation, which is the most frequently identified SPG7 mutation, has been detected in the homozygous and compound heterozygous states in multiple unrelated patients affected with SPG7-related spastic paraplegia and has been shown to segregate with disease in multiple families (Bonn, 2010; Roxburgh, 2013; S&aacute;nchez-Ferrero, 2013; Pfeffer, 2015; Choquet, 2016; Mancini, 2019; S&aacute;enz-Farret, 2022). Variable expressivity has been reported, even among family members with the same genotype (Roxburgh, 2013). In addition, this variant is present at significantly higher rates in patients versus controls (Sanchez-Ferror, 2013; Mancini, 2019). This amino acid position is highly conserved in available vertebrate species. A yeast complementation assay demonstrated loss of of proteolytic activity of the A510V mutant protein under certain conditions (Bonn, 2010). This alteration is predicted to be deleterious by in silico analysis. Based on the available evidence, this alteration is classified as pathogenic.

Revvity Omics, Revvity
Classification: Likely pathogenic for Hereditary spastic paraplegia 7. Last evaluated: 2025-01-10. Review status: criteria provided, single submitter. Criteria: ACMG Guidelines, 2015. Collection method: clinical testing. Allele origin: germline.

Genomic Medicine Center of Excellence, King Faisal Specialist Hospital and Research Centre
Classification: Likely pathogenic. Last evaluated: 2024-12-19. Review status: criteria provided, single submitter. Criteria: ACMG Guidelines, 2015. Collection method: clinical testing. Allele origin: germline.

Blueprint Genetics
Classification: Pathogenic for SPG7-related disorders. Last evaluated: 2024-11-19. Review status: criteria provided, single submitter. Criteria: ACMG Guidelines, 2015. Collection method: clinical testing. Allele origin: germline. Affected: yes. Observed: 5 variant alleles.

Athena Diagnostics
Classification: Pathogenic. Last evaluated: 2024-09-20. Review status: criteria provided, single submitter. Criteria: Athena Diagnostics Criteria. Collection method: clinical testing. Allele origin: unknown.
Comment: The frequency of this variant in the general population is consistent with pathogenicity. This variant is statistically more frequent in affected individuals than in the general population and/or healthy controls, and is reported in the literature as the most common pathogenic SPG7 variant (PMID: 30098094, 24727571, 27165006, 28444220; Genome Aggregation Database (gnomAD), Cambridge, MA (URL)). Assessment of experimental evidence regarding the effect of this variant on protein function is inconclusive (PMID: 20186691, 32973427, 37766787). This variant segregates with disease in multiple families. In multiple individuals, this variant has been seen with a single recessive pathogenic variant in the same gene, suggesting this variant may also be pathogenic.

Women's Health and Genetics/Laboratory Corporation of America, LabCorp
Classification: Pathogenic for Hereditary spastic paraplegia 7. Last evaluated: 2024-08-22. Review status: criteria provided, single submitter. Criteria: LabCorp Variant Classification Summary - May 2015. Collection method: clinical testing. Allele origin: germline.
Comment: Variant summary: SPG7 c.1529C>T (p.Ala510Val) results in a non-conservative amino acid change located in the AAA ATPase, AAA+ lid domain (IPR041569) of the encoded protein sequence. Five of five in-silico tools predict a damaging effect of the variant on protein function. The variant allele was found at a frequency of 0.0029 in 251478 control chromosomes in the gnomAD database, including 2 homozygotes. This frequency does not allow conclusions about variant significance as age-related reduced penetrance in adults with this variant has been observed (example, Roxburgh_2013). c.1529C>T has been widely reported in the literature as biallelic homozygous or compound heterozygous genotypes in multiple individuals affected with Hereditary Spastic Paraplegia 7 (example, Roxburgh_20013, Sanchez-Ferrero_2013, Bonn_2010, Pyle_2015, Mancini_2019, Wali_2020). These data indicate that the variant is very likely to be associated with disease. At least one publication reports experimental evidence in a yeast complementation assay system that this missense change perturbs the proteotypic function of the hetero-oligomeric m-AAA protease (Bonn_2010). Multiple clinical diagnostic laboratories have submitted clinical-significance assessments for this variant to ClinVar after 2014 as pathogenic. Based on the evidence outlined above, the variant was classified as pathogenic.